The following is an entry in ClinVar:

NM_001999.4(FBN2):c.8459A>T (p.Glu2820Val)

Gene: FBN2 (fibrillin 2; minus strand). Cytogenetic location: 5q23.3.
Variant type: single nucleotide variant.
Coding change: c.8459A>T on transcript NM_001999.4 (MANE Select); coding-DNA position 8459, A replaced by T.
Protein change: p.Glu2820Val; replaces glutamic acid 2820 with valine.
Molecular consequence: missense variant.
Genome position (GRCh38, 1-based): chr5:128,259,735, T>A on the plus strand (A>T on the coding strand, the complement: FBN2 is on the minus strand). VCF-style: chr5-128259735-T-A. GRCh37 (hg19) VCF-style: chr5-127595427-T-A.
Other names: c.8459A>T (NM_001999.3); short protein forms E2820V.
Identifiers: ClinVar variation 3702703 (VCV003702703.3).

ClinVar aggregate classification (germline): Uncertain significance. Review status: criteria provided, multiple submitters, no conflicts (2 of 4 stars). 2 submissions from 2 submitters: Uncertain significance (2). Last evaluated 2026-02-19.

Conditions:
Familial thoracic aortic aneurysm and aortic dissection (TAAD). Also called: Thoracic aortic aneurysms and dissections. Identifiers: Orphanet 91387, MedGen C4707243, MONDO:0019625.
Congenital contractural arachnodactyly (CCA). Also called: BEALS SYNDROME; Beals-Hecht syndrome; Arthrogryposis, distal, type 9. Identifiers: Orphanet 115, MedGen C0220668, MONDO:0007363, OMIM 121050.

gnomAD v4.1: 1 of 1,613,868 alleles (0.000062%); highest among the groups gnomAD compares: Non-Finnish European, 0.000085%; no homozygotes.

Submissions (2):

Ambry Genetics
Classification: Uncertain significance for Familial thoracic aortic aneurysm and aortic dissection. Last evaluated: 2026-02-19. Review status: criteria provided, single submitter. Criteria: Ambry Variant Classification Scheme 2023. Collection method: clinical testing. Allele origin: germline.
Comment: The p.E2820V variant (also known as c.8459A>T), located in coding exon 65 of the FBN2 gene, results from an A to T substitution at nucleotide position 8459. The glutamic acid at codon 2820 is replaced by valine, an amino acid with dissimilar properties. This amino acid position is conserved. In addition, the in silico prediction for this alteration is inconclusive. Based on the available evidence, the clinical significance of this variant remains unclear.

Labcorp Genetics (formerly Invitae), Labcorp
Classification: Uncertain significance for Congenital contractural arachnodactyly. Last evaluated: 2024-11-13. Review status: criteria provided, single submitter. Criteria: Invitae Variant Classification Sherloc (09022015). Collection method: clinical testing. Allele origin: germline.
Comment: This sequence change replaces glutamic acid, which is acidic and polar, with valine, which is neutral and non-polar, at codon 2820 of the FBN2 protein (p.Glu2820Val). This variant is not present in population databases (gnomAD no frequency). This variant has not been reported in the literature in individuals affected with FBN2-related conditions. Invitae Evidence Modeling of protein sequence and biophysical properties (such as structural, functional, and spatial information, amino acid conservation, physicochemical variation, residue mobility, and thermodynamic stability) indicates that this missense variant is not expected to disrupt FBN2 protein function with a negative predictive value of 80%. In summary, the available evidence is currently insufficient to determine the role of this variant in disease. Therefore, it has been classified as a Variant of Uncertain Significance.